The following is an entry in ClinVar:

NM_001378183.1(PIEZO2):c.2743G>A (p.Gly915Arg)

Gene: PIEZO2 (piezo type mechanosensitive ion channel component 2; minus strand). Cytogenetic location: 18p11.22.
Variant type: single nucleotide variant.
Coding change: c.2743G>A on transcript NM_001378183.1 (MANE Select); coding-DNA position 2743, G replaced by A.
Protein change: p.Gly915Arg; replaces glycine 915 with arginine.
Molecular consequence: missense variant.
Genome position (GRCh38, 1-based): chr18:10,773,454, C>T on the plus strand (G>A on the coding strand, the complement: PIEZO2 is on the minus strand). VCF-style: chr18-10773454-C-T. GRCh37 (hg19) VCF-style: chr18-10773452-C-T.
Other names: c.2668G>A, p.Gly890Arg (NM_022068.4); short protein forms G890R, G915R.
Identifiers: ClinVar variation 981101 (VCV000981101.1), dbSNP rs750411760, ClinGen allele CA401917838.

ClinVar aggregate classification (germline): Uncertain significance (1 of 4 stars; one submission).

Allele frequency attached by ClinVar (database versions not stated): TOPMed 0.00001.
gnomAD v4.1: 7 of 1,537,386 alleles (0.00046%); highest among the groups gnomAD compares: Admixed American, 0.0078%; no homozygotes.

Submission:

Women's Health and Genetics/Laboratory Corporation of America, LabCorp
Classification: Uncertain significance. Last evaluated: 2020-09-30. Review status: criteria provided, single submitter. Criteria: LabCorp Variant Classification Summary - May 2015. Collection method: clinical testing. Allele origin: germline.
Comment: Variant summary: FAM38B c.2668G>A (p.Gly890Arg) results in a non-conservative amino acid change in the encoded protein sequence. Four of five in-silico tools predict a benign effect of the variant on protein function. The variant allele was found at a frequency of 2.1e-05 in 144576 control chromosomes (gnomAD). The available data on variant occurrences in the general population are insufficient to allow any conclusion about variant significance. To our knowledge, no occurrence of c.2668G>A in individuals affected with FAM38B-Related Disorders and no experimental evidence demonstrating its impact on protein function have been reported. No clinical diagnostic laboratories have submitted clinical-significance assessments for this variant to ClinVar after 2014. Based on the evidence outlined above, the variant was classified as uncertain significance.